The following is an entry in ClinVar:

NM_013432.5(TONSL):c.2980C>T (p.Pro994Ser)

Gene: TONSL (tonsoku like, DNA repair protein; minus strand). Cytogenetic location: 8q24.3.
Variant type: single nucleotide variant.
Coding change: c.2980C>T on transcript NM_013432.5 (MANE Select); coding-DNA position 2980, C replaced by T.
Protein change: p.Pro994Ser; replaces proline 994 with serine.
Molecular consequence: missense variant.
Genome position (GRCh38, 1-based): chr8:144,435,043, G>A on the plus strand (C>T on the coding strand, the complement: TONSL is on the minus strand). VCF-style: chr8-144435043-G-A. GRCh37 (hg19) VCF-style: chr8-145660426-G-A.
Other names: c.2980C>T (NM_013432.4); short protein forms P994S.
Identifiers: ClinVar variation 1420574 (VCV001420574.6), dbSNP rs777412758, ClinGen allele CA4942661.
Genomic context (GRCh38, chr8:144,435,043, plus strand): 5'-GAGGCCCTGGCTCCCCCTCCGCTCTGCGGCTCACCTCGTCATTGCTCTGCAGCACATCAG[G>A]GATGAGGTCCTGTGGGGCCAGCAGGGCCCCCTCTTTCCGTAGGGTGAGCCTGGGCAGCAG-3'
Protein context (NP_038460.4, residues 984-1004): GALLAPQDLI[Pro994Ser]DVLQSNDEVL

ClinVar aggregate classification (germline): Uncertain significance. Review status: criteria provided, multiple submitters, no conflicts (2 of 4 stars). 2 submissions from 2 submitters: Uncertain significance (2). Last evaluated 2022-12-19.

Conditions:
Inborn genetic diseases. Identifiers: MedGen C0950123, MeSH D030342.

Allele frequency attached by ClinVar (database versions not stated): gnomAD 0.00005 and 0.00006; gnomAD exomes 0.00005 and 0.00006; TOPMed 0.00006; ExAC 0.00009.
gnomAD v4.1: 82 of 1,612,406 alleles (0.0051%); highest among the groups gnomAD compares: Non-Finnish European, 0.0067%; no homozygotes.

Submissions (2):

Ambry Genetics
Classification: Uncertain significance for Inborn genetic diseases. Last evaluated: 2022-12-19. Review status: criteria provided, single submitter. Criteria: Ambry Variant Classification Scheme 2023. Collection method: clinical testing. Allele origin: germline.

Labcorp Genetics (formerly Invitae), Labcorp
Classification: Uncertain significance. Last evaluated: 2022-04-01. Review status: criteria provided, single submitter. Criteria: Invitae Variant Classification Sherloc (09022015). Collection method: clinical testing. Allele origin: germline.
Comment: This sequence change replaces proline, which is neutral and non-polar, with serine, which is neutral and polar, at codon 994 of the TONSL protein (p.Pro994Ser). This variant is present in population databases (rs777412758, gnomAD 0.01%). This variant has not been reported in the literature in individuals affected with TONSL-related conditions. Algorithms developed to predict the effect of missense changes on protein structure and function output the following: SIFT: "Tolerated"; PolyPhen-2: "Benign"; Align-GVGD: "Class C0". The serine amino acid residue is found in multiple mammalian species, which suggests that this missense change does not adversely affect protein function. In summary, the available evidence is currently insufficient to determine the role of this variant in disease. Therefore, it has been classified as a Variant of Uncertain Significance.